The following is an entry in ClinVar:

ClinVar aggregate classification (germline): Uncertain significance (1 of 4 stars; one submission).

Allele frequency attached by ClinVar (database versions not stated): gnomAD exomes below 0.00001; gnomAD 0.00001; TOPMed 0.00002.
gnomAD v4.1: 2 of 1,614,058 alleles (0.00012%); highest among the groups gnomAD compares: East Asian, 0.0022%; no homozygotes.

Submission:

Ambry Genetics
Classification: Uncertain significance. Last evaluated: 2024-05-01. Review status: criteria provided, single submitter. Criteria: Ambry Variant Classification Scheme 2023. Collection method: clinical testing. Allele origin: germline.
Comment: The p.P1080L variant (also known as c.3239C>T), located in coding exon 4 of the ALPK2 gene, results from a C to T substitution at nucleotide position 3239. The proline at codon 1080 is replaced by leucine, an amino acid with similar properties. This amino acid position is conserved. In addition, this alteration is predicted to be tolerated by in silico analysis. Since supporting evidence is limited at this time, the clinical significance of this alteration remains unclear.

NM_052947.4(ALPK2):c.3239C>T (p.Pro1080Leu)

Gene: ALPK2 (alpha kinase 2; minus strand). Cytogenetic location: 18q21.31.
Variant type: single nucleotide variant.
Coding change: c.3239C>T on transcript NM_052947.4 (MANE Select); coding-DNA position 3239, C replaced by T.
Protein change: p.Pro1080Leu; replaces proline 1080 with leucine.
Molecular consequence: missense variant.
Genome position (GRCh38, 1-based): chr18:58,536,948, G>A on the plus strand (C>T on the coding strand, the complement: ALPK2 is on the minus strand). VCF-style: chr18-58536948-G-A. GRCh37 (hg19) VCF-style: chr18-56204180-G-A.
Other names: short protein forms P1080L.
Identifiers: ClinVar variation 1729266 (VCV001729266.3), dbSNP rs1366362506, ClinGen allele CA402568806.